The following is an entry in ClinVar:

NM_024675.4(PALB2):c.1209G>A (p.Leu403=)

Gene: PALB2 (partner and localizer of BRCA2; minus strand). Cytogenetic location: 16p12.2.
Variant type: single nucleotide variant.
Coding change: c.1209G>A on transcript NM_024675.4 (MANE Select); coding-DNA position 1209, G replaced by A.
Protein change: p.Leu403=; no amino-acid change (leucine 403 retained).
Molecular consequence: synonymous variant.
Genome position (GRCh38, 1-based): chr16:23,635,337, C>T on the plus strand (G>A on the coding strand, the complement: PALB2 is on the minus strand). VCF-style: chr16-23635337-C-T. GRCh37 (hg19) VCF-style: chr16-23646658-C-T.
Identifiers: ClinVar variation 185784 (VCV000185784.24), dbSNP rs786202452, ClinGen allele CA192936.
Genomic context (GRCh38, chr16:23,635,337, plus strand): 5'-TACTTTCCTCTGGCAATTGGACATGCTTCGTGTTGTTCTAACATAATATTCTGCAGGAAA[C>T]AGAAGGCCTTCAGGCACTGTGCAAGAATGTTTTTCTGCAGAAAGAGGAGAGGTTGCTTCC-3'
Protein context (NP_078951.2, residues 393-413): KHSCTVPEGL[Leu403=]FPAEYYVRTT

ClinVar aggregate classification (germline): Benign/Likely benign. Review status: criteria provided, multiple submitters, no conflicts (2 of 4 stars). 8 submissions from 8 submitters: Benign (1); Likely benign (7). Last evaluated 2026-01-16.

Conditions:
Hereditary cancer-predisposing syndrome. Also called: Tumor predisposition; Neoplastic Syndromes, Hereditary; Hereditary neoplastic syndrome; Hereditary Cancer Syndrome. Identifiers: Orphanet 140162, MedGen C0027672, MeSH D009386, MONDO:0015356.
Familial cancer of breast. Also called: hereditary breast carcinoma; BREAST CANCER, FAMILIAL; Hereditary breast cancer. Identifiers: Orphanet 227535, MedGen C0346153, MONDO:0016419, OMIM 114480. Disease mechanism: loss of function.

Allele frequency attached by ClinVar (database versions not stated): gnomAD exomes below 0.00001.
gnomAD v4.1: 7 of 1,614,016 alleles (0.00043%); highest among the groups gnomAD compares: Middle Eastern, 0.017%; no homozygotes.

Submissions (8):

Labcorp Genetics (formerly Invitae), Labcorp
Classification: Likely benign for Familial cancer of breast. Last evaluated: 2026-01-16. Review status: criteria provided, single submitter. Criteria: Invitae Variant Classification Sherloc (09022015). Collection method: clinical testing. Allele origin: germline.

Center for Genomic Medicine, Rigshospitalet, Copenhagen University Hospital
Classification: Likely benign. Last evaluated: 2025-12-29. Review status: criteria provided, single submitter. Criteria: ACMG Guidelines, 2015. Collection method: clinical testing. Allele origin: germline.

Myriad Genetics, Inc.
Classification: Benign for Familial cancer of breast. Last evaluated: 2025-01-13. Review status: criteria provided, single submitter. Criteria: Myriad Autosomal Dominant, Autosomal Recessive and X-Linked Classification Criteria (2023). Collection method: clinical testing. Allele origin: unknown.
Comment: This variant is considered benign. This variant is a silent/synonymous amino acid change and it is not expected to impact splicing.

Blueprint Genetics
Classification: Likely benign. Last evaluated: 2023-02-13. Review status: criteria provided, single submitter. Criteria: ACMG Guidelines, 2015. Collection method: clinical testing. Allele origin: germline.

Quest Diagnostics Nichols Institute San Juan Capistrano
Classification: Likely benign. Last evaluated: 2019-08-13. Review status: criteria provided, single submitter. Criteria: Quest Diagnostics criteria. Collection method: clinical testing. Allele origin: germline.

Color Diagnostics, LLC DBA Color Health
Classification: Likely benign for Hereditary cancer-predisposing syndrome. Last evaluated: 2017-05-29. Review status: criteria provided, single submitter. Criteria: ACMG Guidelines, 2015. Collection method: clinical testing. Allele origin: germline.

GeneDx
Classification: Likely benign. Last evaluated: 2016-11-08. Review status: criteria provided, single submitter. Criteria: GeneDx Variant Classification (06012015). Collection method: clinical testing. Allele origin: germline. Affected: yes.
Comment: This variant is considered likely benign or benign based on one or more of the following criteria: it is a conservative change, it occurs at a poorly conserved position in the protein, it is predicted to be benign by multiple in silico algorithms, and/or has population frequency not consistent with disease.

Ambry Genetics
Classification: Likely benign for Hereditary cancer-predisposing syndrome. Last evaluated: 2014-08-08. Review status: criteria provided, single submitter. Criteria: Ambry Variant Classification Scheme 2023. Collection method: clinical testing. Allele origin: germline.